The following is an entry in ClinVar:

NM_000051.4(ATM):c.8983C>T (p.Leu2995Phe)

Genes: ATM (ATM serine/threonine kinase; plus strand), C11orf65 (chromosome 11 open reading frame 65; minus strand). Cytogenetic location: 11q22.3.
Variant type: single nucleotide variant.
Coding change: c.8983C>T on transcript NM_000051.4 (MANE Select); coding-DNA position 8983, C replaced by T.
Protein change: p.Leu2995Phe; replaces leucine 2995 with phenylalanine.
Molecular consequence: missense variant. On other transcripts: intron variant (2).
Genome position (GRCh38, 1-based): chr11:108,365,214, C>T. VCF-style: chr11-108365214-C-T. GRCh37 (hg19) VCF-style: chr11-108235941-C-T.
Other names: c.8983C>T, p.Leu2995Phe (NM_001351834.2); c.640+20706G>A (NM_001330368.2); c.694+20706G>A (NM_001351110.2); short protein forms L2995F.
Identifiers: ClinVar variation 1765330 (VCV001765330.2), dbSNP rs142322668, ClinGen allele CA382530523.
Genomic context (GRCh38, chr11:108,365,214, plus strand): 5'-GAAGATGAAACTGAGCTTCACCCTACTCTGAATGCAGATGACCAAGAATGCAAACGAAAT[C>T]TCAGGTGAGCAGTATTTTAAGAAGGTCCTGTTGTCAGTTTTTCAGATTTTCTTATTCCCA-3'
Protein context (NP_000042.3, residues 2985-3005): NADDQECKRN[Leu2995Phe]SDIDQSFNKV

ClinVar aggregate classification (germline): Uncertain significance. Review status: criteria provided, multiple submitters, no conflicts (2 of 4 stars). 2 submissions from 2 submitters: Uncertain significance (2). Last evaluated 2025-12-15.

Conditions:
Hereditary cancer-predisposing syndrome. Also called: Hereditary neoplastic syndrome; Neoplastic Syndromes, Hereditary; Tumor predisposition; Hereditary Cancer Syndrome. Identifiers: Orphanet 140162, MedGen C0027672, MeSH D009386, MONDO:0015356.
Ataxia-telangiectasia syndrome (AT). Also called: Ataxia telangiectasia (A-T); LOUIS-BAR SYNDROME; Cerebello-oculocutaneous telangiectasia; Immunodeficiency with ataxia telangiectasia; Ataxia-telangiectasia, complementation group D; AT, COMPLEMENTATION GROUP C. Identifiers: Orphanet 100, MedGen C0004135, MONDO:0008840, OMIM 208900.

Submissions (2):

Labcorp Genetics (formerly Invitae), Labcorp
Classification: Uncertain significance for Ataxia-telangiectasia syndrome. Last evaluated: 2025-12-15. Review status: criteria provided, single submitter. Criteria: Invitae Variant Classification Sherloc (09022015). Collection method: clinical testing. Allele origin: germline.
Comment: This sequence change replaces leucine, which is neutral and non-polar, with phenylalanine, which is neutral and non-polar, at codon 2995 of the ATM protein (p.Leu2995Phe). This variant is not present in population databases (gnomAD no frequency). This variant has not been reported in the literature in individuals affected with ATM-related conditions. ClinVar contains an entry for this variant (Variation ID: 1765330). Invitae Evidence Modeling of protein sequence and biophysical properties (such as structural, functional, and spatial information, amino acid conservation, physicochemical variation, residue mobility, and thermodynamic stability) indicates that this missense variant is not expected to disrupt ATM protein function with a negative predictive value of 95%. In summary, the available evidence is currently insufficient to determine the role of this variant in disease. Therefore, it has been classified as a Variant of Uncertain Significance.

Ambry Genetics
Classification: Uncertain significance for Hereditary cancer-predisposing syndrome. Last evaluated: 2020-10-26. Review status: criteria provided, single submitter. Criteria: Ambry Variant Classification Scheme 2023. Collection method: clinical testing. Allele origin: germline.
Comment: The p.L2995F variant (also known as c.8983C>T), located in coding exon 61 of the ATM gene, results from a C to T substitution at nucleotide position 8983. The leucine at codon 2995 is replaced by phenylalanine, an amino acid with highly similar properties. This alteration has been reported in at least one subject in a study of 13087 breast cancer cases and 5488 control individuals in the UK (Decker B et al. J Med Genet, 2017 11;54:732-741). This amino acid position is not well conserved in available vertebrate species. In addition, this alteration is predicted to be tolerated by in silico analysis. Since supporting evidence is limited at this time, the clinical significance of this alteration remains unclear.

Literature cited by the submitters: PubMed 28779002 (cited by Ambry Genetics).